The following is an entry in ClinVar:

NM_032578.4(MYPN):c.2228C>A (p.Pro743Gln)

Gene: MYPN (myopalladin; plus strand). Cytogenetic location: 10q21.3.
Variant type: single nucleotide variant.
Coding change: c.2228C>A on transcript NM_032578.4 (MANE Select); coding-DNA position 2228, C replaced by A.
Protein change: p.Pro743Gln; replaces proline 743 with glutamine.
Molecular consequence: missense variant. On other transcripts: non-coding transcript variant (2).
Genome position (GRCh38, 1-based): chr10:68,174,320, C>A. VCF-style: chr10-68174320-C-A. GRCh37 (hg19) VCF-style: chr10-69934077-C-A.
Other names: c.2228C>A, p.Pro743Gln (NM_001256267.2); c.1346C>A, p.Pro449Gln (NM_001256268.2); short protein forms P449Q, P743Q.
Identifiers: ClinVar variation 1284855 (VCV001284855.5), dbSNP rs138583865, ClinGen allele CA5522754.
Genomic context (GRCh38, chr10:68,174,320, plus strand): 5'-CGAAGTATTTCTTCCCCTCCACGAACACCACCGCAGCAACTGTGGCCCCTTCCAGCTCTC[C>A]GGTGTTCACTTTGAGCAGCACTCCTCAAACTATTCAGAGGACAGTGAGCAAAGAAAGCCT-3'
Protein context (NP_115967.2, residues 733-753): TAATVAPSSS[Pro743Gln]VFTLSSTPQT

ClinVar aggregate classification (germline): Uncertain significance. Review status: criteria provided, multiple submitters, no conflicts (2 of 4 stars). 4 submissions from 4 submitters: Uncertain significance (2). 2 of the submissions do not count toward it. Last evaluated 2026-08-06.

Conditions:
MYPN-related disorder. Also called: MYPN-related condition.
Dilated cardiomyopathy 1KK (CMD1KK). Identifiers: Orphanet 154, Orphanet 75249, MedGen C3714995, MONDO:0014100, OMIM 615248.
MYPN-related myopathy (CMYO24). Also called: Nemaline myopathy 11, autosomal recessive. Identifiers: MedGen C4479186, MONDO:0015023, OMIM 617336.

gnomAD v4.1: 8 of 1,614,028 alleles (0.0005%); highest among the groups gnomAD compares: Middle Eastern, 0.016%; no homozygotes.

Submissions (4):

PreventionGenetics, part of Exact Sciences
Classification: Uncertain significance for MYPN-related condition. Last evaluated: 2026-08-06. Review status: criteria provided, single submitter. Criteria: ACMG Guidelines, 2015. Collection method: clinical testing. Allele origin: germline.
Comment: The MYPN c.2228C>A variant is predicted to result in the amino acid substitution p.Pro743Gln. To our knowledge, this variant has not been reported in the literature. This variant is reported in 0.0026% of alleles in individuals of European (Non-Finnish) descent in gnomAD. At this time, the clinical significance of this variant is uncertain due to the absence of conclusive functional and genetic evidence.

Fulgent Genetics
Classification: Uncertain significance for Dilated cardiomyopathy 1KK; MYPN-related myopathy. Last evaluated: 2021-07-26. Review status: criteria provided, single submitter. Criteria: ACMG Guidelines, 2015. Collection method: clinical testing. Allele origin: unknown.

Clinical Genetics DNA and cytogenetics Diagnostics Lab, Erasmus MC, Erasmus Medical Center
Classification: Uncertain significance. Review status: no assertion criteria provided. Collection method: clinical testing. Allele origin: germline. Affected: yes. Study: VKGL Data-share Consensus. Not counted in ClinVar's aggregate classification.

Clinical Genetics, Academic Medical Center
Classification: Uncertain significance. Review status: no assertion criteria provided. Collection method: clinical testing. Allele origin: germline. Affected: yes. Study: VKGL Data-share Consensus. Not counted in ClinVar's aggregate classification.